The following is an entry in ClinVar:

ClinVar aggregate classification (germline): Pathogenic (1 of 4 stars; one submission).

Conditions:
CHARGE syndrome (CHARGE). Also called: Hittner Hirsch Kreh syndrome; Coloboma, heart anomaly, choanal atresia, retardation, genital and ear anomalies; CHARGE association; Hall-Hittner syndrome; CHARGE ASSOCIATION--COLOBOMA, HEART ANOMALY, CHOANAL ATRESIA, RETARDATION, GENITAL AND EAR ANOMALIES. Identifiers: Orphanet 138, MedGen C0265354, MONDO:0008965.

Submission:

Labcorp Genetics (formerly Invitae), Labcorp
Classification: Pathogenic for CHARGE syndrome. Last evaluated: 2017-11-30. Review status: criteria provided, single submitter. Criteria: Invitae Variant Classification Sherloc (09022015). Collection method: clinical testing. Allele origin: germline.
Comment: For these reasons, this variant has been classified as Pathogenic. This sequence change creates a premature translational stop signal (p.Tyr160Thrfs*51) in the CHD7 gene. It is expected to result in an absent or disrupted protein product. This variant is not present in population databases (ExAC no frequency). This variant has not been reported in the literature in individuals with CHD7-related disease. Loss-of-function variants in CHD7 are known to be pathogenic (PMID: 22461308, 25077900).

Literature cited by the submitters: PubMed 22461308; PubMed 25077900.

NM_017780.4(CHD7):c.478del (p.Tyr160fs)

Gene: CHD7 (chromodomain helicase DNA binding protein 7; plus strand). Cytogenetic location: 8q12.2.
Variant type: Deletion.
Coding change: c.478del on transcript NM_017780.4 (MANE Select); coding-DNA position 478, one base deleted (T; older notation c.478delT).
Protein change: p.Tyr160fs; shifts the reading frame from tyrosine 160.
Molecular consequence: frameshift variant.
Genome position (GRCh38, 1-based): chr8:60,741,910, T deleted. VCF-style (leftmost placement, unchanged base first): chr8-60741909-CT-C. GRCh37 (hg19) VCF-style: chr8-61654468-CT-C.
Other names: c.478del, p.Tyr160fs (NM_001316690.1); short protein forms Y160fs.
Identifiers: ClinVar variation 529127 (VCV000529127.6), dbSNP rs1554581198, ClinGen allele CA658797103.
Genomic context (GRCh38, chr8:60,741,909, plus strand): 5'-GGACAGCAGCTCCATGTGGGGCCCCAGGGCTGTTCAGGTACCAGACCAGATACGAGCCCC[CT>C]ACCAGCAGCAGCAGCCACAGCCGCAGCCACCGCAGCCGGCTCCGTCGGGGCCCCCTGCAC-3'